The following is an entry in ClinVar:

NM_004006.3(DMD):c.3475A>C (p.Thr1159Pro)

Gene: DMD (dystrophin; minus strand). Cytogenetic location: Xp21.1.
Variant type: single nucleotide variant.
Coding change: c.3475A>C on transcript NM_004006.3 (MANE Select); coding-DNA position 3475, A replaced by C.
Protein change: p.Thr1159Pro; replaces threonine 1159 with proline.
Molecular consequence: missense variant.
Genome position (GRCh38, 1-based): chrX:32,454,790, T>G on the plus strand (A>C on the coding strand, the complement: DMD is on the minus strand). VCF-style: chrX-32454790-T-G. GRCh37 (hg19) VCF-style: chrX-32472907-T-G.
Other names: c.3451A>C, p.Thr1151Pro (NM_000109.4); c.3463A>C, p.Thr1155Pro (NM_004009.3); c.3106A>C, p.Thr1036Pro (NM_004010.3); short protein forms T1036P, T1151P, T1159P, T1155P.
Identifiers: ClinVar variation 1976779 (VCV001976779.2), dbSNP rs2524369461, ClinGen allele CA412663318.

ClinVar aggregate classification (germline): Uncertain significance (1 of 4 stars; one submission).

Conditions:
Duchenne muscular dystrophy (DMD). Also called: MUSCULAR DYSTROPHY, PSEUDOHYPERTROPHIC PROGRESSIVE, DUCHENNE TYPE; Duchenne Muscular Dystrophy (DMD). Identifiers: Orphanet 98896, MedGen C0013264, MONDO:0010679, OMIM 310200.

Allele frequency attached by ClinVar (database versions not stated): gnomAD exomes below 0.00001.
gnomAD v4.1: 1 of 1,207,904 alleles (0.000083%); no homozygotes.

Submission:

Labcorp Genetics (formerly Invitae), Labcorp
Classification: Uncertain significance for Duchenne muscular dystrophy. Last evaluated: 2022-09-07. Review status: criteria provided, single submitter. Criteria: Invitae Variant Classification Sherloc (09022015). Collection method: clinical testing. Allele origin: germline.
Comment: This sequence change replaces threonine, which is neutral and polar, with proline, which is neutral and non-polar, at codon 1159 of the DMD protein (p.Thr1159Pro). This variant is not present in population databases (gnomAD no frequency). This variant has not been reported in the literature in individuals affected with DMD-related conditions. Algorithms developed to predict the effect of missense changes on protein structure and function are either unavailable or do not agree on the potential impact of this missense change (SIFT: "Tolerated"; PolyPhen-2: "Probably Damaging"; Align-GVGD: "Class C0"). In summary, the available evidence is currently insufficient to determine the role of this variant in disease. Therefore, it has been classified as a Variant of Uncertain Significance.